The following is an entry in ClinVar:

ClinVar aggregate classification (germline): Conflicting classifications of pathogenicity. Review status: criteria provided, conflicting classifications (1 of 4 stars). 5 submissions from 5 submitters: Uncertain significance (3); Likely benign (2). Last evaluated 2026-01-08.

Conditions:
Breast-ovarian cancer, familial, susceptibility to, 1 (BROVCA1). Also called: BRCA1 Hereditary Breast and Ovarian Cancer; OVARIAN CANCER, SUSCEPTIBILITY TO. Identifiers: Orphanet 145, MedGen C2676676, MONDO:0011450, OMIM 604370. Disease mechanism: loss of function.
Hereditary breast ovarian cancer syndrome. Also called: Hereditary breast and ovarian cancer syndrome; Breast and ovarian cancer; Hereditary breast and ovarian cancer syndrome (HBOC); Hereditary breast and/or ovarian cancer syndrome; BRCA1- and BRCA2-Associated Hereditary Breast and Ovarian Cancer; Hereditary breast and ovarian cancer. Identifiers: Orphanet 145, MedGen C0677776, MeSH D061325, MONDO:0003582. Disease mechanism: loss of function.
Hereditary cancer-predisposing syndrome. Also called: Neoplastic Syndromes, Hereditary; Hereditary neoplastic syndrome; Hereditary Cancer Syndrome; Tumor predisposition. Identifiers: Orphanet 140162, MedGen C0027672, MeSH D009386, MONDO:0015356.

Submissions (5):

Myriad Genetics, Inc.
Classification: Likely benign for Breast-ovarian cancer, familial, susceptibility to, 1. Last evaluated: 2026-01-08. Review status: criteria provided, single submitter. Criteria: Myriad Autosomal Dominant, Autosomal Recessive and X-Linked Classification Criteria (2023). Collection method: clinical testing. Allele origin: unknown.
Comment: This variant is considered likely benign. This variant is strongly associated with less severe personal and family histories of cancer, typical for individuals without pathogenic variants in this gene [PMID: 25085752].

Labcorp Genetics (formerly Invitae), Labcorp
Classification: Uncertain significance for Hereditary breast ovarian cancer syndrome. Last evaluated: 2025-07-24. Review status: criteria provided, single submitter. Criteria: Invitae Variant Classification Sherloc (09022015). Collection method: clinical testing. Allele origin: germline.
Comment: This sequence change replaces glycine, which is neutral and non-polar, with valine, which is neutral and non-polar, at codon 817 of the BRCA1 protein (p.Gly817Val). This variant is not present in population databases (gnomAD no frequency). This variant has not been reported in the literature in individuals affected with BRCA1-related conditions. ClinVar contains an entry for this variant (Variation ID: 409372). Invitae Evidence Modeling of protein sequence and biophysical properties (such as structural, functional, and spatial information, amino acid conservation, physicochemical variation, residue mobility, and thermodynamic stability) has been performed for this missense variant. However, the output from this modeling did not meet the statistical confidence thresholds required to predict the impact of this variant on BRCA1 protein function. In summary, the available evidence is currently insufficient to determine the role of this variant in disease. Therefore, it has been classified as a Variant of Uncertain Significance.

Color Diagnostics, LLC DBA Color Health
Classification: Uncertain significance for Hereditary cancer-predisposing syndrome. Last evaluated: 2025-06-10. Review status: criteria provided, single submitter. Criteria: ACMG Guidelines, 2015. Collection method: clinical testing. Allele origin: germline.
Comment: This missense variant replaces glycine with valine at codon 817 of the BRCA1 protein. Computational prediction suggests that this variant may not impact protein structure and function. To our knowledge, functional studies have not been reported for this variant. This variant has not been reported in individuals affected with BRCA1-related disorders in the literature. This variant has not been identified in the general population by the Genome Aggregation Database (gnomAD). The available evidence is insufficient to determine the role of this variant in disease conclusively. Therefore, this variant is classified as a Variant of Uncertain Significance.

Ambry Genetics
Classification: Uncertain significance for Hereditary cancer-predisposing syndrome. Last evaluated: 2023-04-16. Review status: criteria provided, single submitter. Criteria: Ambry Variant Classification Scheme 2023. Collection method: clinical testing. Allele origin: germline.
Comment: The p.G817V variant (also known as c.2450G>T), located in coding exon 9 of the BRCA1 gene, results from a G to T substitution at nucleotide position 2450. The glycine at codon 817 is replaced by valine, an amino acid with dissimilar properties. This amino acid position is not well conserved in available vertebrate species. In addition, the in silico prediction for this alteration is inconclusive. Since supporting evidence is limited at this time, the clinical significance of this alteration remains unclear.

University of Washington Department of Laboratory Medicine, University of Washington
Classification: Likely benign for Hereditary cancer-predisposing syndrome. Last evaluated: 2023-03-23. Review status: criteria provided, single submitter. Criteria: Dines et al. (Genet Med. 2020). Collection method: curation. Allele origin: germline.
Comment: Missense variant in a coldspot region where missense variants are very unlikely to be pathogenic (PMID:31911673).

BRCA1 coldspot (exon 11 using historical exon numbering). Reclassification based on statistical prior probability

Literature cited by the submitters: PubMed 25085752 (cited by Myriad Genetics, Inc.).

NM_007294.4(BRCA1):c.2450G>T (p.Gly817Val)

Gene: BRCA1 (BRCA1 DNA repair associated; minus strand). Cytogenetic location: 17q21.31.
Variant type: single nucleotide variant.
Coding change: c.2450G>T on transcript NM_007294.4 (MANE Select); coding-DNA position 2450, G replaced by T.
Protein change: p.Gly817Val; replaces glycine 817 with valine.
Molecular consequence: missense variant. On other transcripts: intron variant (137).
Genome position (GRCh38, 1-based): chr17:43,093,081, C>A on the plus strand (G>T on the coding strand, the complement: BRCA1 is on the minus strand). VCF-style: chr17-43093081-C-A. GRCh37 (hg19) VCF-style: chr17-41245098-C-A.
Other names: c.784+1663G>T (NM_001407992.1, NM_001408400.1, NM_001408392.1 and 13 more transcripts); c.664+1663G>T (NM_001408440.1, NM_001408428.1, NM_001408441.1 and 12 more transcripts); c.671-2049G>T (NM_001408418.1, NM_001408423.1, NM_001408420.1 and 2 more transcripts); c.787+1663G>T (NM_001407981.1, NM_007298.4, NM_001407978.1 and 17 more transcripts); c.643+1663G>T (NM_001408462.1, NM_001408470.1, NM_001408464.1 and 3 more transcripts); c.709+1663G>T (NM_001408414.1, NM_001408411.1, NM_001408415.1 and 2 more transcripts); c.577+1663G>T (NM_001408514.1, NM_001408485.1, NM_001408483.1 and 9 more transcripts); c.661+1663G>T (NM_001408447.1, NM_001408433.1, NM_001408446.1 and 6 more transcripts); and 41 more; short protein forms G817V, G770V, G521V, G729V, G746V, G816V, G649V, G705V.
Identifiers: ClinVar variation 409372 (VCV000409372.23), dbSNP rs1060502365, ClinGen allele CA10597107.